The following is an entry in ClinVar:

NM_000455.5(STK11):c.291-8T>C

Gene: STK11 (serine/threonine kinase 11; plus strand). Cytogenetic location: 19p13.3.
Variant type: single nucleotide variant.
Coding change: c.291-8T>C on transcript NM_000455.5 (MANE Select); 8 bases into the intron before coding-DNA position 291, T replaced by C.
Molecular consequence: intron variant.
Genome position (GRCh38, 1-based): chr19:1,218,409, T>C. VCF-style: chr19-1218409-T-C. GRCh37 (hg19) VCF-style: chr19-1218408-T-C.
Other names: c.291-8T>C (NM_001407255.1).
Identifiers: ClinVar variation 3678694 (VCV003678694.3).
Genomic context (GRCh38, chr19:1,218,409, plus strand): 5'-ACTCCAGGGATCCAGGCCATCATCCTGACGTTGGGTCGGCTGATACACCCCTGTCCTCTC[T>C]GTCCCAGGGAAATTCAACTACTGAGGAGGTTACGGCACAAAAATGTCATCCAGCTGGTGG-3'

ClinVar aggregate classification (germline): Likely benign. Review status: criteria provided, multiple submitters, no conflicts (2 of 4 stars). 2 submissions from 2 submitters: Likely benign (2). Last evaluated 2025-03-25.

Conditions:
Peutz-Jeghers syndrome (PJS). Also called: POLYPOSIS, HAMARTOMATOUS INTESTINAL; POLYPS-AND-SPOTS SYNDROME; Peutz-Jeghers polyposis; Periorificial lentiginosis syndrome. Identifiers: Orphanet 2869, MedGen C0031269, MeSH D010580, MONDO:0008280, OMIM 175200.

gnomAD v4.1: 1 of 1,612,030 alleles (0.000062%); highest among the groups gnomAD compares: Non-Finnish European, 0.000085%; no homozygotes.

Submissions (2):

Myriad Genetics, Inc.
Classification: Likely benign for Peutz-Jeghers syndrome. Last evaluated: 2025-03-25. Review status: criteria provided, single submitter. Criteria: Myriad Autosomal Dominant, Autosomal Recessive and X-Linked Classification Criteria (2023). Collection method: clinical testing. Allele origin: unknown.
Comment: This variant is considered likely benign. This variant is intronic and is not expected to impact mRNA splicing.

Labcorp Genetics (formerly Invitae), Labcorp
Classification: Likely benign for Peutz-Jeghers syndrome. Last evaluated: 2024-05-07. Review status: criteria provided, single submitter. Criteria: Invitae Variant Classification Sherloc (09022015). Collection method: clinical testing. Allele origin: germline.